The following is an entry in ClinVar:

ClinVar aggregate classification (germline): Pathogenic (1 of 4 stars; one submission).

Submission:

Labcorp Genetics (formerly Invitae), Labcorp
Classification: Pathogenic. Last evaluated: 2021-05-06. Review status: criteria provided, single submitter. Criteria: Invitae Variant Classification Sherloc (09022015). Collection method: clinical testing. Allele origin: germline.
Comment: For these reasons, this variant has been classified as Pathogenic. Loss-of-function variants in SLC12A6 are known to be pathogenic (PMID: 12368912, 16606917). This sequence change creates a premature translational stop signal (p.Glu995*) in the SLC12A6 gene. It is expected to result in an absent or disrupted protein product. This variant is not present in population databases (ExAC no frequency). This variant has not been reported in the literature in individuals with SLC12A6-related conditions. Algorithms developed to predict the effect of sequence changes on RNA splicing suggest that this variant may create or strengthen a splice site, but this prediction has not been confirmed by published transcriptional studies.

Literature cited by the submitters: PubMed 12368912; PubMed 16606917.

NM_001365088.1(SLC12A6):c.2983G>T (p.Glu995Ter)

Gene: SLC12A6 (solute carrier family 12 member 6; minus strand). Cytogenetic location: 15q14.
Variant type: single nucleotide variant.
Coding change: c.2983G>T on transcript NM_001365088.1 (MANE Select); coding-DNA position 2983, G replaced by T.
Protein change: p.Glu995Ter; replaces glutamic acid 995 with a stop codon.
Molecular consequence: nonsense.
Genome position (GRCh38, 1-based): chr15:34,236,767, C>A on the plus strand (G>T on the coding strand, the complement: SLC12A6 is on the minus strand). VCF-style: chr15-34236767-C-A. GRCh37 (hg19) VCF-style: chr15-34528968-C-A.
Other names: c.2806G>T, p.Glu936Ter (NM_001042494.2, NM_001042495.2); c.2956G>T, p.Glu986Ter (NM_001042496.2); c.2938G>T, p.Glu980Ter (NM_001042497.2); c.2830G>T, p.Glu944Ter (NM_005135.2); c.2983G>T, p.Glu995Ter (NM_133647.2); short protein forms E944*, E936*, E986*, E995*, E980*.
Identifiers: ClinVar variation 935105 (VCV000935105.7), dbSNP rs1891297825, ClinGen allele CA391617985.
Genomic context (GRCh38, chr15:34,236,767, plus strand): 5'-CCTCTCTGTCTCGCTCTGTTTTGGATAGCCGCATGTGCCGGAGCATCTGGGACCTTTGTT[C>A]CATCATCAAAGTGCGCTCGTAAGTATATGCTGATATATCACTGTCATGCTGCCATAGACA-3'